The following is an entry in ClinVar:

ClinVar aggregate classification (germline): Likely pathogenic (1 of 4 stars; one submission).

Submission:

GeneDx
Classification: Likely pathogenic. Last evaluated: 2016-07-11. Review status: criteria provided, single submitter. Criteria: GeneDx Variant Classification (06012015). Collection method: clinical testing. Allele origin: germline. Affected: yes.
Comment: A novel c.2111dupT variant that is likely pathogenic has been identified in the SCN1A gene. The c.2111dupT variant has not been published as a pathogenic variant, nor has it been reported as a benign variant to our knowledge. It was not observed in approximately 6,500 individuals of European and African American ancestry in the NHLBI Exome Sequencing Project, indicating it is not a common benign variant in these populations. The c.2111dupT variant causes a frameshift starting with codon Glutamic acid 705, changes this amino acid to an Arginine residue and creates a premature Stop codon at position 24 of the new reading frame, denoted p.Glu705ArgfsX24. This pathogenic variant is predicted to cause loss of normal protein function either through protein truncation or nonsense-mediated mRNA decay. Although this variant has not been reported previously to our knowledge, other frameshift variants have been reported in the Human Gene Mutation Database in association with SCN1A-related disorders (Stenson et al., 2014). Therefore, this variant is likely pathogenic; however, the possibility that it is benign cannot be excluded.

NM_001165963.4(SCN1A):c.2111dup (p.Glu705fs)

Gene: SCN1A (sodium voltage-gated channel alpha subunit 1; minus strand). Cytogenetic location: 2q24.3.
Variant type: Duplication.
Coding change: c.2111dup on transcript NM_001165963.4 (MANE Select); coding-DNA position 2111, one base duplicated (T; older notation c.2111dupT).
Protein change: p.Glu705fs; shifts the reading frame from glutamic acid 705.
Molecular consequence: frameshift variant. On other transcripts: 5 prime UTR variant (1), non-coding transcript variant (1).
Genome position (GRCh38, 1-based): chr2:166,042,357, A duplicated on the plus strand (T on the coding strand, the reverse complement: SCN1A is on the minus strand). VCF-style (leftmost placement, unchanged base first): chr2-166042356-T-TA. GRCh37 (hg19) VCF-style: chr2-166898866-T-TA.
Other names: c.2027dup, p.Glu677fs (NM_001165964.3, NM_001353957.2, NM_001353958.2); c.2111dup, p.Glu705fs (NM_001202435.3, NM_001353948.2); c.2078dup, p.Glu694fs (NM_001353949.2, NM_001353950.2, NM_001353951.2 and 2 more transcripts); c.2075dup, p.Glu693fs (NM_001353954.2, NM_001353955.2); c.2024dup, p.Glu676fs (NM_001353960.2); c.-348dup (NM_001353961.2); short protein forms E677fs, E705fs, E676fs, E693fs, E694fs.
Identifiers: ClinVar variation 421583 (VCV000421583.2), dbSNP rs1064795227, ClinGen allele CA16617307.